The following is an entry in ClinVar:

ClinVar aggregate classification (germline): Uncertain significance (1 of 4 stars; one submission).

gnomAD v4.1: 1 of 1,612,280 alleles (0.000062%); highest among the groups gnomAD compares: East Asian, 0.0022%; no homozygotes.

Submission:

Labcorp Genetics (formerly Invitae), Labcorp
Classification: Uncertain significance. Last evaluated: 2022-07-20. Review status: criteria provided, single submitter. Criteria: Invitae Variant Classification Sherloc (09022015). Collection method: clinical testing. Allele origin: germline.
Comment: This sequence change replaces arginine, which is basic and polar, with serine, which is neutral and polar, at codon 157 of the GNAT1 protein (p.Arg157Ser). This variant is present in population databases (rs779522093, gnomAD 0.006%). This variant has not been reported in the literature in individuals affected with GNAT1-related conditions. Algorithms developed to predict the effect of missense changes on protein structure and function (SIFT, PolyPhen-2, Align-GVGD) all suggest that this variant is likely to be disruptive. In summary, the available evidence is currently insufficient to determine the role of this variant in disease. Therefore, it has been classified as a Variant of Uncertain Significance.

NM_144499.3(GNAT1):c.469C>A (p.Arg157Ser)

Gene: GNAT1 (G protein subunit alpha transducin 1; plus strand). Cytogenetic location: 3p21.31.
Variant type: single nucleotide variant.
Coding change: c.469C>A on transcript NM_144499.3 (MANE Select); coding-DNA position 469, C replaced by A.
Protein change: p.Arg157Ser; replaces arginine 157 with serine.
Molecular consequence: missense variant.
Genome position (GRCh38, 1-based): chr3:50,193,772, C>A. VCF-style: chr3-50193772-C-A. GRCh37 (hg19) VCF-style: chr3-50231205-C-A.
Other names: c.469C>A, p.Arg157Ser (NM_000172.4); short protein forms R157S.
Identifiers: ClinVar variation 1720535 (VCV001720535.5), dbSNP rs779522093, ClinGen allele CA2412612.
Genomic context (GRCh38, chr3:50,193,772, plus strand): 5'-CTCCACGCCTCCCCACCCACCTACGGCCGGGTCTCGCGCAGCTACCTCTCCGACCTGGAG[C>A]GCCTGGTAACCCCGGGCTACGTGCCCACCGAGCAGGACGTGCTGCGCTCGCGAGTCAAGA-3'
Protein context (NP_653082.1, residues 147-167): SAGYYLSDLE[Arg157Ser]LVTPGYVPTE